The following is an entry in ClinVar:

NM_001001557.4(GDF6):c.550C>G (p.Leu184Val)

Gene: GDF6 (growth differentiation factor 6; minus strand). Cytogenetic location: 8q22.1.
Variant type: single nucleotide variant.
Coding change: c.550C>G on transcript NM_001001557.4 (MANE Select); coding-DNA position 550, C replaced by G.
Protein change: p.Leu184Val; replaces leucine 184 with valine.
Molecular consequence: missense variant.
Genome position (GRCh38, 1-based): chr8:96,145,381, G>C on the plus strand (C>G on the coding strand, the complement: GDF6 is on the minus strand). VCF-style: chr8-96145381-G-C. GRCh37 (hg19) VCF-style: chr8-97157609-G-C.
Other names: short protein forms L184V.
Identifiers: ClinVar variation 3749942 (VCV003749942.2).

ClinVar aggregate classification (germline): Uncertain significance (1 of 4 stars; one submission).

Conditions:
Leber congenital amaurosis 17 (LCA17). Identifiers: Orphanet 65, MedGen C3715164, MONDO:0014145, OMIM 615360.
Klippel-Feil syndrome 1, autosomal dominant (KFS1). Also called: CERVICAL VERTEBRAL FUSION, AUTOSOMAL DOMINANT. Identifiers: Orphanet 2345, MedGen C1861689, MONDO:0007306, OMIM 118100.
Microphthalmia, isolated, with coloboma 6 (MCOPCB6). Also called: Microphthalmia with coloboma 6, digenic; Microphthalmia with coloboma 6; MICROPHTHALMIA/COLOBOMA 6. Identifiers: Orphanet 98938, MedGen C3150968, MONDO:0013376, OMIM 613703.
Isolated microphthalmia 4. Identifiers: Orphanet 2542, MedGen C2751307, MONDO:0013130, OMIM 613094.

gnomAD v4.1: 1 of 1,570,228 alleles (0.000064%); highest among the groups gnomAD compares: Non-Finnish European, 0.000086%; no homozygotes.

Submission:

Labcorp Genetics (formerly Invitae), Labcorp
Classification: Uncertain significance for Isolated microphthalmia 4; Leber congenital amaurosis 17; Klippel-Feil syndrome 1, autosomal dominant; Microphthalmia, isolated, with coloboma 6. Last evaluated: 2024-04-02. Review status: criteria provided, single submitter. Criteria: Invitae Variant Classification Sherloc (09022015). Collection method: clinical testing. Allele origin: germline.
Comment: This sequence change replaces leucine, which is neutral and non-polar, with valine, which is neutral and non-polar, at codon 184 of the GDF6 protein (p.Leu184Val). This variant is not present in population databases (gnomAD no frequency). This variant has not been reported in the literature in individuals affected with GDF6-related conditions. Advanced modeling of protein sequence and biophysical properties (such as structural, functional, and spatial information, amino acid conservation, physicochemical variation, residue mobility, and thermodynamic stability) performed at Invitae indicates that this missense variant is not expected to disrupt GDF6 protein function with a negative predictive value of 80%. In summary, the available evidence is currently insufficient to determine the role of this variant in disease. Therefore, it has been classified as a Variant of Uncertain Significance.